The following is an entry in ClinVar:

ClinVar aggregate classification (germline): Uncertain significance (1 of 4 stars; one submission).

Conditions:
Koolen-de Vries syndrome (KDVS). Identifiers: Orphanet 96169, MedGen C1864871, MONDO:0012496, OMIM 610443.

Submission:

Labcorp Genetics (formerly Invitae), Labcorp
Classification: Uncertain significance for Koolen-de Vries syndrome. Last evaluated: 2024-10-02. Review status: criteria provided, single submitter. Criteria: Invitae Variant Classification Sherloc (09022015). Collection method: clinical testing. Allele origin: germline.
Comment: This sequence change replaces valine, which is neutral and non-polar, with glycine, which is neutral and non-polar, at codon 851 of the KANSL1 protein (p.Val851Gly). This variant is not present in population databases (gnomAD no frequency). This variant has not been reported in the literature in individuals affected with KANSL1-related conditions. An algorithm developed to predict the effect of missense changes on protein structure and function (PolyPhen-2) suggests that this variant is likely to be tolerated. In summary, the available evidence is currently insufficient to determine the role of this variant in disease. Therefore, it has been classified as a Variant of Uncertain Significance.

NM_015443.4(KANSL1):c.2552T>G (p.Val851Gly)

Gene: KANSL1 (KAT8 regulatory NSL complex subunit 1). Cytogenetic location: 17q21.31.
Variant type: single nucleotide variant.
Coding change: c.2552T>G on transcript NM_015443.4 (MANE Select); coding-DNA position 2552, T replaced by G.
Protein change: p.Val851Gly; replaces valine 851 with glycine.
Molecular consequence: missense variant.
Genome position (GRCh38, 1-based): chr17:46,034,275, A>C on the plus strand (T>G on the coding strand, the complement: KANSL1 is on the minus strand). VCF-style: chr17-46034275-A-C. GRCh37 (hg19) VCF-style: chr17-44111641-A-C.
Other names: c.2363T>G, p.Val788Gly (NM_001405877.1, NM_001405878.1, NM_001405875.1 and 1 more transcripts); c.2360T>G, p.Val787Gly (NM_001405879.1, NM_001405880.1); c.2447T>G, p.Val816Gly (NM_001405881.1, NM_001405861.1); c.1286T>G, p.Val429Gly (NM_001405882.1); c.1283T>G, p.Val428Gly (NM_001405883.1); c.1097T>G, p.Val366Gly (NM_001405884.1); c.1094T>G, p.Val365Gly (NM_001405885.1); c.2549T>G, p.Val850Gly (NM_001405858.1, NM_001193465.2, NM_001405856.1 and 1 more transcripts); and 2 more; short protein forms V787G, V788G, V816G, V817G, V851G, V850G, V366G, V428G.
Identifiers: ClinVar variation 3721718 (VCV003721718.2).